The following is an entry in ClinVar:

ClinVar aggregate classification (germline): Pathogenic (1 of 4 stars; one submission).

Submission:

CeGaT Center for Human Genetics Tuebingen
Classification: Pathogenic. Last evaluated: 2025-11-01. Review status: criteria provided, single submitter. Criteria: CeGaT Center For Human Genetics Tuebingen Variant Classification Criteria Version 2. Collection method: clinical testing. Allele origin: germline. Affected: yes. Observed: 1 variant allele.
Comment: CAPRIN1: PVS1, PM2

NM_005898.5(CAPRIN1):c.1674_1677del (p.Thr559fs)

Gene: CAPRIN1 (cell cycle associated protein 1; plus strand). Cytogenetic location: 11p13.
Variant type: Microsatellite.
Coding change: c.1674_1677del on transcript NM_005898.5 (MANE Select); coding-DNA positions 1674 to 1677, 4 bases deleted (AACA; older notation c.1674_1677delAACA).
Protein change: p.Thr559fs; shifts the reading frame from threonine 559.
Molecular consequence: frameshift variant.
Genome position (GRCh38, 1-based): chr11:34,092,025-34,092,028, AACA deleted; deleting any 4 consecutive bases within chr11:34,092,021-34,092,028 gives the same sequence; the c. name uses the placement nearest the transcript's 3' end. VCF-style (leftmost placement, unchanged base first): chr11-34092020-GAACA-G. GRCh37 (hg19) VCF-style: chr11-34113567-GAACA-G.
Other names: c.1674_1677del, p.Thr559fs (NM_203364.3); short protein forms T559fs.
Identifiers: ClinVar variation 4534550 (VCV004534550.6).